The following is an entry in ClinVar:

ClinVar aggregate classification (germline): Uncertain significance. Review status: criteria provided, multiple submitters, no conflicts (2 of 4 stars). 2 submissions from 2 submitters: Uncertain significance (2). Last evaluated 2023-08-29.

Conditions:
Ataxia-telangiectasia syndrome (AT). Also called: Ataxia-telangiectasia, complementation group D; AT, COMPLEMENTATION GROUP C; ATAXIA-TELANGIECTASIA, COMPLEMENTATION GROUP A; ATAXIA-TELANGIECTASIA, FRESNO VARIANT; Cerebello-oculocutaneous telangiectasia; Immunodeficiency with ataxia telangiectasia. Identifiers: Orphanet 100, MedGen C0004135, MONDO:0008840, OMIM 208900.

Allele frequency attached by ClinVar (database versions not stated): gnomAD exomes below 0.00001.
gnomAD v4.1: 1 of 1,612,140 alleles (0.000062%); highest among the groups gnomAD compares: Non-Finnish European, 0.000085%; no homozygotes.

Submissions (2):

Blueprint Genetics
Classification: Uncertain significance. Last evaluated: 2023-08-29. Review status: criteria provided, single submitter. Criteria: ACMG Guidelines, 2015. Collection method: clinical testing. Allele origin: germline.

Labcorp Genetics (formerly Invitae), Labcorp
Classification: Uncertain significance for Ataxia-telangiectasia syndrome. Last evaluated: 2021-11-12. Review status: criteria provided, single submitter. Criteria: Invitae Variant Classification Sherloc (09022015). Collection method: clinical testing. Allele origin: germline.
Comment: This variant is not present in population databases (gnomAD no frequency). In summary, the available evidence is currently insufficient to determine the role of this variant in disease. Therefore, it has been classified as a Variant of Uncertain Significance. Advanced modeling of protein sequence and biophysical properties (such as structural, functional, and spatial information, amino acid conservation, physicochemical variation, residue mobility, and thermodynamic stability) performed at Invitae indicates that this missense variant is not expected to disrupt ATM protein function. ClinVar contains an entry for this variant (Variation ID: 453484). This variant has not been reported in the literature in individuals affected with ATM-related conditions. This sequence change replaces isoleucine, which is neutral and non-polar, with threonine, which is neutral and polar, at codon 124 of the ATM protein (p.Ile124Thr).

NM_000051.4(ATM):c.371T>C (p.Ile124Thr)

Gene: ATM (ATM serine/threonine kinase; plus strand). Cytogenetic location: 11q22.3.
Variant type: single nucleotide variant.
Coding change: c.371T>C on transcript NM_000051.4 (MANE Select); coding-DNA position 371, T replaced by C.
Protein change: p.Ile124Thr; replaces isoleucine 124 with threonine.
Molecular consequence: missense variant.
Genome position (GRCh38, 1-based): chr11:108,235,709, T>C. VCF-style: chr11-108235709-T-C. GRCh37 (hg19) VCF-style: chr11-108106436-T-C.
Other names: c.371T>C, p.Ile124Thr (NM_001351834.2); short protein forms I124T.
Identifiers: ClinVar variation 453484 (VCV000453484.7), dbSNP rs1555059132, ClinGen allele CA382524743.